The following is an entry in ClinVar:

NM_015404.4(WHRN):c.1992G>A (p.Pro664=)

Gene: WHRN (whirlin; minus strand). Cytogenetic location: 9q32.
Variant type: single nucleotide variant.
Coding change: c.1992G>A on transcript NM_015404.4 (MANE Select); coding-DNA position 1992, G replaced by A.
Protein change: p.Pro664=; no amino-acid change (proline 664 retained).
Molecular consequence: synonymous variant.
Genome position (GRCh38, 1-based): chr9:114,406,599, C>T on the plus strand (G>A on the coding strand, the complement: WHRN is on the minus strand). VCF-style: chr9-114406599-C-T. GRCh37 (hg19) VCF-style: chr9-117168879-C-T.
Other names: c.843G>A, p.Pro281= (NM_001083885.3); c.1992G>A, p.Pro664= (NM_001173425.2); c.939G>A, p.Pro313= (NM_001346890.1).
Identifiers: ClinVar variation 178336 (VCV000178336.48), dbSNP rs142568702, ClinGen allele CA182132.

ClinVar aggregate classification (germline): Conflicting classifications of pathogenicity. Review status: criteria provided, conflicting classifications (1 of 4 stars). 8 submissions from 7 submitters: Uncertain significance (2); Benign (1); Likely benign (4). 1 of the submissions does not count toward it. Last evaluated 2026-01-24.

Conditions:
WHRN-related disorder. Also called: WHRN-related condition.
Autosomal recessive nonsyndromic hearing loss 31. Also called: WHIRLER, MOUSE, HOMOLOG OF. Identifiers: Orphanet 90636, MedGen C1846839, MONDO:0011767, OMIM 607084.
Usher syndrome type 2D. Also called: USHER SYNDROME, TYPE IID. Identifiers: Orphanet 231178, Orphanet 886, MedGen C1568249, MONDO:0012662, OMIM 611383.

Allele frequency attached by ClinVar (database versions not stated): gnomAD exomes 0.00015 and 0.00024; ExAC 0.00028; ESP Exome Variant Server 0.00046; gnomAD 0.00082 and 0.00084; TOPMed 0.00087; 1000 Genomes Project 30x 0.00187; 1000 Genomes Project 0.00200.
gnomAD v4.1: 344 of 1,610,300 alleles (0.021%); highest among the groups gnomAD compares: African/African-American, 0.28%; 2 homozygotes.

Submissions (8):

Labcorp Genetics (formerly Invitae), Labcorp
Classification: Benign. Last evaluated: 2026-01-24. Review status: criteria provided, single submitter. Criteria: Invitae Variant Classification Sherloc (09022015). Collection method: clinical testing. Allele origin: germline.

Blueprint Genetics
Classification: Likely benign. Last evaluated: 2024-06-27. Review status: criteria provided, single submitter. Criteria: ACMG Guidelines, 2015. Collection method: clinical testing. Allele origin: germline.

CeGaT Center for Human Genetics Tuebingen
Classification: Likely benign. Last evaluated: 2023-07-01. Review status: criteria provided, single submitter. Criteria: CeGaT Center For Human Genetics Tuebingen Variant Classification Criteria Version 2. Collection method: clinical testing. Allele origin: germline. Affected: yes. Observed: 1 variant allele.
Comment: WHRN: BP4, BP7, BS2

GeneDx
Classification: Likely benign. Last evaluated: 2020-04-14. Review status: criteria provided, single submitter. Criteria: GeneDx Variant Classification Process June 2021. Collection method: clinical testing. Allele origin: germline. Affected: yes.

Illumina Laboratory Services, Illumina
Classification: Uncertain significance for Usher syndrome type 2D. Last evaluated: 2018-01-13. Review status: criteria provided, single submitter. Criteria: ICSL Variant Classification Criteria 13 December 2019. Collection method: clinical testing. Allele origin: germline.

Illumina Laboratory Services, Illumina
Classification: Uncertain significance for Autosomal recessive nonsyndromic hearing loss 31. Last evaluated: 2018-01-13. Review status: criteria provided, single submitter. Criteria: ICSL Variant Classification Criteria 13 December 2019. Collection method: clinical testing. Allele origin: germline.

Laboratory for Molecular Medicine, Mass General Brigham Personalized Medicine
Classification: Likely benign. Last evaluated: 2015-11-24. Review status: criteria provided, single submitter. Criteria: LMM Criteria. Collection method: clinical testing. Allele origin: germline. Observed: 3 variant alleles.
Comment: p.Pro664Pro in Exon 9 of DFNB31: This variant is not expected to have clinical s ignificance because it does not alter an amino acid residue, is not located with in the splice consensus sequence, and has been identified in 0.25% (26/10318) of African chromosomes by the Exome Aggregation Consortium (ExAC; dbSNP rs142568702).

PreventionGenetics, part of Exact Sciences
Classification: Likely benign for WHRN-related condition. Last evaluated: 2020-01-13. Review status: no assertion criteria provided. Collection method: clinical testing. Allele origin: germline. Not counted in ClinVar's aggregate classification.
Comment: This variant is classified as likely benign based on ACMG/AMP sequence variant interpretation guidelines (Richards et al. 2015 PMID: 25741868, with internal and published modifications).